The following is an entry in ClinVar:

NM_016247.4(IMPG2):c.3080T>C (p.Val1027Ala)

Gene: IMPG2 (interphotoreceptor matrix proteoglycan 2; minus strand). Cytogenetic location: 3q12.3.
Variant type: single nucleotide variant.
Coding change: c.3080T>C on transcript NM_016247.4 (MANE Select); coding-DNA position 3080, T replaced by C.
Protein change: p.Val1027Ala; replaces valine 1027 with alanine.
Molecular consequence: missense variant.
Genome position (GRCh38, 1-based): chr3:101,232,934, A>G on the plus strand (T>C on the coding strand, the complement: IMPG2 is on the minus strand). VCF-style: chr3-101232934-A-G. GRCh37 (hg19) VCF-style: chr3-100951778-A-G.
Other names: short protein forms V1027A.
Identifiers: ClinVar variation 1371977 (VCV001371977.3), dbSNP rs1328582287, ClinGen allele CA353850405.

ClinVar aggregate classification (germline): Uncertain significance (1 of 4 stars; one submission).

Allele frequency attached by ClinVar (database versions not stated): gnomAD exomes below 0.00001; gnomAD 0.00001.
gnomAD v4.1: 3 of 1,613,920 alleles (0.00019%); highest among the groups gnomAD compares: Admixed American, 0.0033%; no homozygotes.

Submission:

Labcorp Genetics (formerly Invitae), Labcorp
Classification: Uncertain significance. Last evaluated: 2021-09-21. Review status: criteria provided, single submitter. Criteria: Invitae Variant Classification Sherloc (09022015). Collection method: clinical testing. Allele origin: germline.
Comment: This sequence change replaces valine with alanine at codon 1027 of the IMPG2 protein (p.Val1027Ala). The valine residue is highly conserved and there is a small physicochemical difference between valine and alanine. This variant is not present in population databases (ExAC no frequency). This variant has not been reported in the literature in individuals affected with IMPG2-related conditions. Algorithms developed to predict the effect of missense changes on protein structure and function (SIFT, PolyPhen-2, Align-GVGD) all suggest that this variant is likely to be disruptive. In summary, the available evidence is currently insufficient to determine the role of this variant in disease. Therefore, it has been classified as a Variant of Uncertain Significance.